The following is an entry in ClinVar:

NM_001171155.2(PET100):c.115-3C>G

Genes: PET100 (PET100 cytochrome c oxidase chaperone; plus strand), STXBP2 (syntaxin binding protein 2; plus strand). Cytogenetic location: 19p13.2.
Variant type: single nucleotide variant.
Coding change: c.115-3C>G on transcript NM_001171155.2 (MANE Select); 3 bases into the intron before coding-DNA position 115, C replaced by G.
Molecular consequence: intron variant.
Genome position (GRCh38, 1-based): chr19:7,630,820, C>G. VCF-style: chr19-7630820-C-G. GRCh37 (hg19) VCF-style: chr19-7695706-C-G.
Identifiers: ClinVar variation 1895460 (VCV001895460.4), dbSNP rs1459437890, ClinGen allele CA631323794.
Genomic context (GRCh38, chr19:7,630,820, plus strand): 5'-CTGCCCTGATGTGGGGCTCTGGAGGCCTTTGGCTCGTGTCCCATTTGTGACTTTTCCTTA[C>G]AGAGGGAGCTGTGGCCACCTGAGAAGGTAAGTGATCTCTTCTTCCTGCCAGAGGGATGGA-3'

ClinVar aggregate classification (germline): Conflicting classifications of pathogenicity. Review status: criteria provided, conflicting classifications (1 of 4 stars). 3 submissions from 3 submitters: Likely pathogenic (1); Uncertain significance (1). 1 of the submissions does not count toward it.

Conditions:
Abnormality of the mitochondrion. Identifiers: MedGen C4023042, HP:0012103.
Mitochondrial complex IV deficiency, nuclear type 12. Also called: Mitochondrial complex 4 deficiency, nuclear type 12. Identifiers: MedGen C5436695, MONDO:0033646, OMIM 619055.

Allele frequency attached by ClinVar (database versions not stated): gnomAD 0.00001.
gnomAD v4.1: 15 of 1,537,118 alleles (0.00098%); highest among the groups gnomAD compares: South Asian, 0.018%; no homozygotes.

Submissions (3):

Human Genome Lab, NIMHANS, National Institute of Mental Health and Neuro Sciences
Classification: Likely pathogenic for Mitochondrial complex IV deficiency, nuclear type 12. Review status: criteria provided, single submitter. Criteria: ACMG Guidelines, 2015. Collection method: clinical testing. Allele origin: germline. Inheritance: Autosomal recessive inheritance. Affected: yes. Observed: 1 homozygote.
Comment: The splice region variant NM_001171155.2(PET100):c.115-3C>G has not been reported previously as a pathogenic variant nor as a benign variant, to our knowledge. The c.115-3C>G variant is predicted to introduce a novel acceptor splice site at this position by 3 of 4 splice site algorithms, resulting in a frameshift. Furthermore, functional studies by transcriptome demonstrate that this variant has a damaging effect on the gene or gene product. Transcriptome sequencing showed that the variant caused activation of cryptic splice site, leading to intron retention. The patient's phenotype or family history is highly specific for a disease with a single genetic etiology. For these reasons, this variant has been classified as Likely Pathogenic.

Neuberg Centre For Genomic Medicine, NCGM
Classification: Uncertain significance for Mitochondrial complex IV deficiency, nuclear type 12. Review status: criteria provided, single submitter. Criteria: ACMG Guidelines, 2015. Collection method: clinical testing. Allele origin: germline. Inheritance: Autosomal recessive inheritance. Affected: yes.
Comment: The splice site variant c.115-3C>G in the PET100 gene has not been reported previously as a pathogenic variant nor as a benign variant, to our knowledge. This variant is reported with the allele frequency (0.001%) in the gnomAD Exomes. The SpliceAI tool predicts the variant to be damaging. Additional studies are required to prove the pathogenicity of the variant For these reasons, this variant has been classified as Uncertain Significance (VUS).

Department of Pediatrics, Division of Medical Genetics, Faculty of Medicine Ramathibodi Hospital, Mahidol University
Classification: Pathogenic for Abnormality of the mitochondrion. Last evaluated: 2023-01-22. Review status: no assertion criteria provided. Collection method: research. Allele origin: germline. Inheritance: Autosomal recessive inheritance. Affected: yes. Not counted in ClinVar's aggregate classification.
Comment: This variant was Extremely low frequency (0.0000143) in gnomAD population databases and absent in Thai Reference Exome Database (2184 individuals). mRNA analysis revealed splicing defects leading to aberrant sized transcript which were also so confirmed by sequencing of the patient's mRNA (cDNA).